The following is an entry in ClinVar:

NM_020461.4(TUBGCP6):c.2546A>G (p.Glu849Gly)

Gene: TUBGCP6 (tubulin gamma complex component 6; minus strand). Cytogenetic location: 22q13.33.
Variant type: single nucleotide variant.
Coding change: c.2546A>G on transcript NM_020461.4 (MANE Select); coding-DNA position 2546, A replaced by G.
Protein change: p.Glu849Gly; replaces glutamic acid 849 with glycine.
Molecular consequence: missense variant.
Genome position (GRCh38, 1-based): chr22:50,221,813, T>C on the plus strand (A>G on the coding strand, the complement: TUBGCP6 is on the minus strand). VCF-style: chr22-50221813-T-C. GRCh37 (hg19) VCF-style: chr22-50660242-T-C.
Other names: short protein forms E849G.
Identifiers: ClinVar variation 162404 (VCV000162404.6), dbSNP rs368449236, ClinGen allele CA251206.

ClinVar aggregate classification (germline): Uncertain significance. Review status: criteria provided, multiple submitters, no conflicts (2 of 4 stars). 3 submissions from 3 submitters: Uncertain significance (2). 1 of the submissions does not count toward it. Last evaluated 2023-06-30.

Conditions:
Microcephaly and chorioretinopathy 1. Also called: Microcephaly and chorioretinopathy, autosomal recessive, 1. Identifiers: MedGen C3278481, MONDO:0009624, OMIM 251270.

Allele frequency attached by ClinVar (database versions not stated): ExAC 0.00001; gnomAD exomes 0.00002 and 0.00008; gnomAD 0.00003; TOPMed 0.00003; ESP Exome Variant Server 0.00008.
gnomAD v4.1: 111 of 1,511,256 alleles (0.0073%); highest among the groups gnomAD compares: Non-Finnish European, 0.0093%; no homozygotes.

Submissions (3):

Labcorp Genetics (formerly Invitae), Labcorp
Classification: Uncertain significance. Last evaluated: 2023-06-30. Review status: criteria provided, single submitter. Criteria: Invitae Variant Classification Sherloc (09022015). Collection method: clinical testing. Allele origin: germline.
Comment: Algorithms developed to predict the effect of missense changes on protein structure and function output the following: SIFT: "Not Available"; PolyPhen-2: "Benign"; Align-GVGD: "Not Available". The glycine amino acid residue is found in multiple mammalian species, which suggests that this missense change does not adversely affect protein function. This sequence change replaces glutamic acid, which is acidic and polar, with glycine, which is neutral and non-polar, at codon 849 of the TUBGCP6 protein (p.Glu849Gly). This variant is present in population databases (rs368449236, gnomAD 0.007%). This missense change has been observed in individual(s) with clinical features of microcephaly and chorioretinopathy (PMID: 25344692). ClinVar contains an entry for this variant (Variation ID: 162404). In summary, the available evidence is currently insufficient to determine the role of this variant in disease. Therefore, it has been classified as a Variant of Uncertain Significance.

GeneDx
Classification: Uncertain significance. Last evaluated: 2020-05-29. Review status: criteria provided, single submitter. Criteria: GeneDx Variant Classification Process June 2021. Collection method: clinical testing. Allele origin: germline. Affected: yes.
Comment: Not observed at a significant frequency in large population cohorts (Lek et al., 2016); In silico analysis supports that this missense variant has a deleterious effect on protein structure/function; This variant is associated with the following publications: (PMID: 25344692)

OMIM
Classification: Pathogenic for MICROCEPHALY AND CHORIORETINOPATHY, AUTOSOMAL RECESSIVE, 1. Last evaluated: 2014-12-01. Review status: no assertion criteria provided. Collection method: literature only. Allele origin: germline. Not counted in ClinVar's aggregate classification.

Literature cited by the submitters: PubMed 25344692 (cited by Labcorp Genetics (formerly Invitae), Labcorp and OMIM).